The following is an entry in ClinVar:

ClinVar aggregate classification (germline): Uncertain significance (1 of 4 stars; one submission).

Submission:

Mayo Clinic Laboratories, Mayo Clinic
Classification: Uncertain significance. Last evaluated: 2024-10-08. Review status: criteria provided, single submitter. Criteria: ACMG Guidelines, 2015. Collection method: clinical testing. Allele origin: germline. Observed: 1 variant allele.
Comment: PM1, PM2_supporting, PM4

NM_001130004.2(ACTN1):c.1855_1857del (p.Thr619del)

Gene: ACTN1 (actinin alpha 1; minus strand). Cytogenetic location: 14q24.1.
Variant type: Deletion.
Coding change: c.1855_1857del on transcript NM_001130004.2 (MANE Select); coding-DNA positions 1855 to 1857, 3 bases deleted (ACG; older notation c.1855_1857delACG).
Protein change: p.Thr619del; deletes threonine 619.
Molecular consequence: inframe deletion. On other transcripts: inframe indel (1).
Genome position (GRCh38, 1-based): chr14:68,882,554-68,882,556, CGT deleted on the plus strand (ACG on the coding strand, the reverse complement: ACTN1 is on the minus strand); deleting any 3 consecutive bases within chr14:68,882,554-68,882,557 gives the same sequence; the c. name uses the placement nearest the transcript's 3' end. VCF-style (leftmost placement, unchanged base first): chr14-68882553-CCGT-C. GRCh37 (hg19) VCF-style: chr14-69349270-CCGT-C.
Other names: p.Thr619del; c.1855_1857del, p.Thr619del (NM_001102.4, NM_001130005.2, NM_001424012.1 and 2 more transcripts); c.1854_1856delGAC, p.Thr619del (NM_001130004.1); c.1879_1881del, p.Thr627del (NM_001411035.1, NM_001424016.1); c.1660_1662del, p.Thr554del (NM_001411036.1, NM_001424026.1, NM_001424028.1); c.1981_1983del, p.Thr661del (NM_001424013.1); c.1942_1944del, p.Thr648del (NM_001424015.1); c.1852_1854del, p.Thr618del (NM_001424017.1); and 5 more; short protein forms T598del, T627del, T648del, T661del, T554del, T558del, T596del, T606del.
Identifiers: ClinVar variation 4541877 (VCV004541877.1).